The following is an entry in ClinVar:

ClinVar aggregate classification (germline): Uncertain significance (1 of 4 stars; one submission).

Conditions:
Inborn genetic diseases. Identifiers: MedGen C0950123, MeSH D030342.

gnomAD v4.1: 5 of 1,595,452 alleles (0.00031%); highest among the groups gnomAD compares: Non-Finnish European, 0.00043%; no homozygotes.

Submission:

Ambry Genetics
Classification: Uncertain significance for Inborn genetic diseases. Last evaluated: 2024-03-09. Review status: criteria provided, single submitter. Criteria: Ambry Variant Classification Scheme 2023. Collection method: clinical testing. Allele origin: germline.
Comment: The p.R286P variant (also known as c.857G>C), located in coding exon 10 of the ERCC2 gene, results from a G to C substitution at nucleotide position 857. The arginine at codon 286 is replaced by proline, an amino acid with dissimilar properties. This amino acid position is conserved. In addition, this alteration is predicted to be deleterious by in silico analysis. Based on the available evidence, the clinical significance of this alteration remains unclear.

NM_000400.4(ERCC2):c.857G>C (p.Arg286Pro)

Gene: ERCC2 (ERCC excision repair 2, TFIIH core complex helicase subunit; minus strand). Cytogenetic location: 19q13.32.
Variant type: single nucleotide variant.
Coding change: c.857G>C on transcript NM_000400.4 (MANE Select); coding-DNA position 857, G replaced by C.
Protein change: p.Arg286Pro; replaces arginine 286 with proline.
Molecular consequence: missense variant.
Genome position (GRCh38, 1-based): chr19:45,364,078, C>G on the plus strand (G>C on the coding strand, the complement: ERCC2 is on the minus strand). VCF-style: chr19-45364078-C-G. GRCh37 (hg19) VCF-style: chr19-45867336-C-G.
Other names: c.785G>C, p.Arg262Pro (NM_001130867.2); short protein forms R262P, R286P.
Identifiers: ClinVar variation 3231718 (VCV003231718.1), dbSNP rs1033932068, ClinGen allele CA308966814.